The following is an entry in ClinVar:

ClinVar aggregate classification (germline): Uncertain significance. Review status: criteria provided, multiple submitters, no conflicts (2 of 4 stars). 2 submissions from 2 submitters: Uncertain significance (2). Last evaluated 2023-05-20.

Conditions:
Interstitial lung disease 2 (ILD2). Also called: FIBROCYSTIC PULMONARY DYSPLASIA; FIBROSING ALVEOLITIS, CRYPTOGENIC; Familial idiopathic pulmonary fibrosis. Identifiers: Orphanet 2032, Orphanet 79126, MedGen C5561926, MONDO:0800497, OMIM 178500, MONDO:0800029.

Allele frequency attached by ClinVar (database versions not stated): gnomAD exomes 0.00003; TOPMed 0.00004; gnomAD 0.00014; ExAC 0.00017; 1000 Genomes Project 30x 0.00156; 1000 Genomes Project 0.00160.
gnomAD v4.1: 67 of 1,611,720 alleles (0.0042%); highest among the groups gnomAD compares: East Asian, 0.087%; no homozygotes.

Submissions (2):

Neuberg Centre For Genomic Medicine, NCGM
Classification: Uncertain significance for Interstitial lung disease 2. Last evaluated: 2023-05-20. Review status: criteria provided, single submitter. Criteria: ACMG Guidelines, 2015. Collection method: clinical testing. Allele origin: germline. Inheritance: Autosomal dominant inheritance. Affected: yes.
Comment: The observed missense c.6874C>T (p.Arg2292Cys) variant in MUC5B gene has not been reported previously as a pathogenic variant nor as a benign variant, to our knowledge. The p.Arg2292Cys variant is present with allele frequency of 0.01% in gnomAD Exomes. This variant has been submitted to the ClinVar database as Uncertain Significance. Computational evidence (SIFT - Damaging and MutationTaster - Polymorphism) predicts conflicting evidence on protein structure and function for this variant. The amino acid Arg at position 2292 is changed to a Cys changing protein sequence and it might alter its composition and physico-chemical properties. For these reasons, this variant has been classified as a Variant of Uncertain Significance (VUS).

Ambry Genetics
Classification: Uncertain significance. Last evaluated: 2021-07-06. Review status: criteria provided, single submitter. Criteria: Ambry Variant Classification Scheme 2023. Collection method: clinical testing. Allele origin: germline.

NM_002458.3(MUC5B):c.6874C>T (p.Arg2292Cys)

Genes: MUC5B-AS1 (MUC5B antisense RNA 1; minus strand), MUC5B (mucin 5B, oligomeric mucus/gel-forming; plus strand). Cytogenetic location: 11p15.5.
Variant type: single nucleotide variant.
Coding change: c.6874C>T on transcript NM_002458.3 (MANE Select); coding-DNA position 6874, C replaced by T.
Protein change: p.Arg2292Cys; replaces arginine 2292 with cysteine.
Molecular consequence: missense variant.
Genome position (GRCh38, 1-based): chr11:1,243,754, C>T. VCF-style: chr11-1243754-C-T. GRCh37 (hg19) VCF-style: chr11-1264984-C-T.
Other names: short protein forms R2292C.
Identifiers: ClinVar variation 2235091 (VCV002235091.3), dbSNP rs541896355, ClinGen allele CA5806173.